The following is an entry in ClinVar:

NM_000329.3(RPE65):c.1543C>T (p.Arg515Trp)

Gene: RPE65 (retinoid isomerohydrolase RPE65; minus strand). Cytogenetic location: 1p31.3.
Variant type: single nucleotide variant.
Coding change: c.1543C>T on transcript NM_000329.3 (MANE Select); coding-DNA position 1543, C replaced by T.
Protein change: p.Arg515Trp; replaces arginine 515 with tryptophan.
Molecular consequence: missense variant.
Genome position (GRCh38, 1-based): chr1:68,429,835, G>A on the plus strand (C>T on the coding strand, the complement: RPE65 is on the minus strand). VCF-style: chr1-68429835-G-A. GRCh37 (hg19) VCF-style: chr1-68895518-G-A.
Other names: NM_000329.3(RPE65):c.1543C>T; short protein forms R515W.
Identifiers: ClinVar variation 13120 (VCV000013120.23), dbSNP rs121917745, ClinGen allele CA226519.

ClinVar aggregate classification (germline): Pathogenic. Review status: reviewed by expert panel (3 of 4 stars). 14 submissions from 13 submitters: Pathogenic (1). 13 of the submissions do not count toward it. Last evaluated 2024-02-20.

Conditions:
RPE65-related recessive retinopathy. Also called: Recessive RPE65 retinopathy. Identifiers: MedGen CN305526, MONDO:0100368.
RPE65-related disorder. Also called: RPE65-related condition; RPE65-related disorders. Identifiers: MedGen CN239301.
Retinal dystrophy. Also called: Inherited retinal dystrophy. Identifiers: Orphanet 71862, MedGen C0854723, MeSH D058499, MONDO:0019118, HP:0000556.
Retinitis pigmentosa 20 (RP20). Identifiers: Orphanet 791, MedGen C3151086, MONDO:0013425, OMIM 613794.
Leber congenital amaurosis 2 (LCA2). Also called: Autosomal Recessive RPE65-Related Retinal Degeneration; AMAUROSIS CONGENITA OF LEBER II. Identifiers: Orphanet 65, MedGen C1859844, MONDO:0008765, OMIM 204100. Disease mechanism: loss of function.
Leber congenital amaurosis (LCA). Also called: Leber's amaurosis. Identifiers: Orphanet 65, MedGen C0339527, MeSH D057130, MONDO:0018998.
Retinitis pigmentosa (RP). Identifiers: Orphanet 791, MedGen C0035334, MeSH D012174, MONDO:0019200, OMIM 268000. Inheritance: Autosomal dominant, autosomal recessive and X linked inheritance.

Allele frequency attached by ClinVar (database versions not stated): ExAC 0.00002; gnomAD exomes 0.00002 and 0.00001; TOPMed 0.00002; gnomAD 0.00003.
gnomAD v4.1: 38 of 1,613,626 alleles (0.0024%); highest among the groups gnomAD compares: East Asian, 0.062%; no homozygotes.

Submissions 1 to 9 of 14:

ClinGen Leber Congenital Amaurosis/early Onset Retinal Dystrophy Variant Curation Expert Panel, ClinGen
Classification: Pathogenic for RPE65-related recessive retinopathy. Last evaluated: 2024-02-20. Review status: reviewed by expert panel. Criteria: ClinGen LCAeoRD ACMG Specifications RPE65 V1.0.0. Collection method: curation. Allele origin: germline. Inheritance: Autosomal recessive inheritance.
Comment: NM_000329.3(RPE65):c.1543C>T is a missense variant predicted to replace arginine with tryptophan at position 515. This variant is present in gnomAD v.2.1.1 at a GrpMax allele frequency of 0.000002980, with 2 alleles / 126782 total alleles in the European (non-Finnish population), which is lower than the ClinGen LCA / eoRD VCEP PM2_Supporting threshold of <0.0002 (PM2_Supporting). This variant has been reported in at least 1 proband with early-onset severe retinal dystrophy who was homozygous for the variant (0.5 pts, PMID: 25495949). This variant has also been reported in at least 4 probands with early-onset severe retinal dystrophy who were compound heterozygous with either the NM_000329.3(RPE65):c.1022T>C (p.Leu341Ser) (PMID: 34492281)), NM_000329.3(RPE65):c.1102T>C (p.Tyr368His) (PMID: 32032261), NM_000329.3(RPE65):c.1067dup (p.Asn356fs) (PMID: 35129589), or NM_000329.3(RPE65):c.130C>T (p.Arg44Ter) variant (PMID: 30025081) variants suspected in trans (2 pts), which were all previously classified pathogenic by the ClinGen LCA / eoRD VCEP (2.5 total points, PM3_Strong). At least one proband harboring this variant exhibits a phenotype including diagnosis of Leber congenital amaurosis (0.5 pts) based on exome sequencing-based genotyping that did not provide an alternative explanation for visual impairment (2 pts), night blindness (0.5 pts) with onset during the first year of life (1 pt), attenuated retinal vessels (0.5 pts), macular atrophy (0.5 pts), bone spicule pigmentation (0.5 pts), non-recordable electroretinogram pattern in rod (0.5 pts) and cone (1 pt) responses, and decreased central visual acuity (1 pt), which together are highly specific for RPE65-related recessive retinopathy (8 total pts, PMID: 25495949, PP4_Moderate). The computational predictor REVEL gives a score of 0.935, which is above the ClinGen LCA / eoRD VCEP threshold of >=0.773 and predicts a damaging effect on RPE65 function (PP3_Moderate). The variant exhibited less than 10% enzymatic activity in a retinoid isomerase assay relative to the wild-type control, which is lower than the ClinGen LCA / eoRD PS3_Supporting threshold of <10% activity, indicating that it triggers a severe defect in protein function (PMID: 25752820, PS3_Supporting). In summary, this variant meets the criteria to be classified as pathogenic for RPE65-related recessive retinopathy based on the ACMG/AMP criteria applied, as specified by the ClinGen LCA / eoRD VCEP: PS3_Supporting, PM2_Supporting, PM3_Strong, PP3_Moderate, and PP4_Moderate. (VCEP specifications version 1.0.0; date of approval 09/21/2023).

Labcorp Genetics (formerly Invitae), Labcorp
Classification: Pathogenic for Leber congenital amaurosis 2; Retinitis pigmentosa 20. Last evaluated: 2025-12-01. Review status: criteria provided, single submitter. Criteria: Invitae Variant Classification Sherloc (09022015). Collection method: clinical testing. Allele origin: germline. Not counted in ClinVar's aggregate classification.
Comment: This sequence change replaces arginine, which is basic and polar, with tryptophan, which is neutral and slightly polar, at codon 515 of the RPE65 protein (p.Arg515Trp). This variant is present in population databases (rs121917745, gnomAD 0.008%). This missense change has been observed in individual(s) with retinal disease (PMID: 15557452, 26906952, 29681726, 31273949). In at least one individual the data is consistent with being in trans (on the opposite chromosome) from a pathogenic variant. ClinVar contains an entry for this variant (Variation ID: 13120). Invitae Evidence Modeling of protein sequence and biophysical properties (such as structural, functional, and spatial information, amino acid conservation, physicochemical variation, residue mobility, and thermodynamic stability) indicates that this missense variant is expected to disrupt RPE65 protein function with a positive predictive value of 80%. Experimental studies have shown that this missense change affects RPE65 function (PMID: 25752820). For these reasons, this variant has been classified as Pathogenic.

Myriad Genetics, Inc.
Classification: Pathogenic for RPE65-related recessive retinopathy. Last evaluated: 2025-06-04. Review status: criteria provided, single submitter. Criteria: Myriad Autosomal Dominant, Autosomal Recessive and X-Linked Classification Criteria (2023). Collection method: clinical testing. Allele origin: unknown. Not counted in ClinVar's aggregate classification.
Comment: NM_000329.2(RPE65):c.1543C>T(R515W) is a missense variant classified as pathogenic in the context of inherited retinal dystrophy, RPE65-related. R515W has been observed in cases with relevant disease (PMID: 31273949, 34492281, 38219857, 36729443, 36284460, 38927702, 31273949). Relevant functional assessments of this variant are not available in the literature. R515W has been observed in referenced population frequency databases. In summary, NM_000329.2(RPE65):c.1543C>T(R515W) is a missense variant that has been observed more frequently in cases with the relevant disease than in healthy populations. Please note: this variant was assessed in the context of healthy population screening.

Natera, Inc.
Classification: Pathogenic for Leber congenital amaurosis. Last evaluated: 2024-05-13. Review status: criteria provided, single submitter. Criteria: Natera Variant Classification Schema (03/2026). Collection method: clinical testing. Allele origin: germline. Not counted in ClinVar's aggregate classification.
Comment: The c.1543C>T variant in RPE65 is a missense variant predicted to cause substitution of arginine to tryptophan at amino acid 515. This variant is rare in the general population with a frequency below the threshold expected for the associated phenotype(s). This variant has been observed in one or more individuals affected with the associated recessive disease, as either homozygous or compound heterozygous with a second variant (PMID: 25495949, 26626312, 34492281, 30025081). Computational prediction algorithms indicate this variant is likely to affect gene or protein function. Given the available evidence, this variant is classified as Pathogenic.

Baylor Genetics
Classification: Pathogenic for Leber congenital amaurosis 2. Last evaluated: 2024-02-04. Review status: criteria provided, single submitter. Criteria: ACMG Guidelines, 2015. Collection method: clinical testing. Allele origin: unknown. Not counted in ClinVar's aggregate classification.

Dept Of Ophthalmology, Nagoya University
Classification: Pathogenic for Retinal dystrophy. Last evaluated: 2023-10-01. Review status: criteria provided, single submitter. Criteria: Submitter's publication. Collection method: research. Allele origin: germline. Affected: yes. Not counted in ClinVar's aggregate classification.

Women's Health and Genetics/Laboratory Corporation of America, LabCorp
Classification: Pathogenic for Leber congenital amaurosis. Last evaluated: 2023-07-28. Review status: criteria provided, single submitter. Criteria: LabCorp Variant Classification Summary - May 2015. Collection method: clinical testing. Allele origin: germline. Not counted in ClinVar's aggregate classification.
Comment: Variant summary: RPE65 c.1543C>T (p.Arg515Trp) results in a non-conservative amino acid change in the encoded protein sequence. Five of five in-silico tools predict a damaging effect of the variant on protein function. The variant allele was found at a frequency of 8e-06 in 248882 control chromosomes (gnomAD). c.1543C>T has been reported in the literature in multiple individuals affected with Leber Congenital Amaurosis, retinitis pigmentosa or Usher syndrome (Oishi_2014, Katagiri_2016, Koyanagi_2021). These data indicate that the variant is very likely to be associated with disease. At least one functional paper reports this variant affects protein function (Li_2015). The following publications have been ascertained in the context of this evaluation (PMID: 25495949, 33629268, 25752820, 25324289). Three submitters have cited clinical-significance assessments for this variant to ClinVar after 2014. All submitters classified the variant as pathogenic. Based on the evidence outlined above, the variant was classified as pathogenic.

Blueprint Genetics
Classification: Pathogenic for RPE65-related disorders. Last evaluated: 2022-11-07. Review status: criteria provided, single submitter. Criteria: ACMG Guidelines, 2015. Collection method: clinical testing. Allele origin: germline. Affected: yes. Observed: 5 variant alleles. Not counted in ClinVar's aggregate classification.

Revvity Omics, Revvity
Classification: Pathogenic. Last evaluated: 2021-06-24. Review status: criteria provided, single submitter. Criteria: ACMG Guidelines, 2015. Collection method: clinical testing. Allele origin: germline. Not counted in ClinVar's aggregate classification.